The following is an entry in ClinVar:

ClinVar aggregate classification (germline): Uncertain significance (1 of 4 stars; one submission).

Submission:

Labcorp Genetics (formerly Invitae), Labcorp
Classification: Uncertain significance. Last evaluated: 2026-01-11. Review status: criteria provided, single submitter. Criteria: Invitae Variant Classification Sherloc (09022015). Collection method: clinical testing. Allele origin: germline.
Comment: This sequence change replaces glutamine, which is neutral and polar, with glutamic acid, which is acidic and polar, at codon 2475 of the ACAN protein (p.Gln2475Glu). This variant is not present in population databases (gnomAD no frequency). This variant has not been reported in the literature in individuals affected with ACAN-related conditions. An algorithm developed to predict the effect of missense changes on protein structure and function (PolyPhen-2) suggests that this variant is likely to be disruptive. In summary, the available evidence is currently insufficient to determine the role of this variant in disease. Therefore, it has been classified as a Variant of Uncertain Significance.

NM_001369268.1(ACAN):c.7537C>G (p.Gln2513Glu)

Gene: ACAN (aggrecan; plus strand). Cytogenetic location: 15q26.1.
Variant type: single nucleotide variant.
Coding change: c.7537C>G on transcript NM_001369268.1 (MANE Select); coding-DNA position 7537, C replaced by G.
Protein change: p.Gln2513Glu; replaces glutamine 2513 with glutamic acid.
Molecular consequence: missense variant. On other transcripts: intron variant (1).
Genome position (GRCh38, 1-based): chr15:88,873,931, C>G. VCF-style: chr15-88873931-C-G. GRCh37 (hg19) VCF-style: chr15-89417162-C-G.
Other names: c.7309C>G, p.Gln2437Glu (NM_001411096.1); c.7423C>G, p.Gln2475Glu (NM_001411097.1, NM_013227.4); c.7220-474C>G (NM_001135.4); short protein forms Q2475E, Q2513E, Q2437E.
Identifiers: ClinVar variation 4732336 (VCV004732336.1).